The following is an entry in ClinVar:

NM_000070.3(CAPN3):c.1115+1dup

Gene: CAPN3 (calpain 3; plus strand). Cytogenetic location: 15q15.1.
Variant type: Duplication.
Coding change: c.1115+1dup on transcript NM_000070.3 (MANE Select); the canonical splice donor site of the intron after coding-DNA position 1115, one base duplicated (G; older notation c.1115+1dupG).
Molecular consequence: splice donor variant.
Genome position (GRCh38, 1-based): chr15:42,394,342, G duplicated; the last of 2 consecutive G bases (chr15:42,394,341-42,394,342); duplicating either gives the same sequence. VCF-style (leftmost placement, unchanged base first): chr15-42394340-A-AG. GRCh37 (hg19) VCF-style: chr15-42686538-A-AG.
Other names: c.1115+1dup (NM_024344.2); c.971+1dup (NM_173087.2); c.1115+1dupG (NM_000070.3).
Identifiers: ClinVar variation 1285361 (VCV001285361.1).

ClinVar aggregate classification (germline): Likely pathogenic (1 of 4 stars; one submission).

Conditions:
Autosomal recessive limb-girdle muscular dystrophy type 2A (LGMDR1). Also called: Muscular dystrophy, limb-girdle, type 2A, Amish; Limb-girdle muscular dystrophy, type 2A; LEYDEN-MOEBIUS MUSCULAR DYSTROPHY; MUSCULAR DYSTROPHY, PELVOFEMORAL; Calpainopathy. Identifiers: Orphanet 267, MedGen C1869123, MONDO:0009675, OMIM 253600. Disease mechanism: loss of function.

Submission:

Kariminejad - Najmabadi Pathology & Genetics Center
Classification: Likely pathogenic for Autosomal recessive limb-girdle muscular dystrophy type 2A. Last evaluated: 2017-05-28. Review status: criteria provided, single submitter. Criteria: ACMG Guidelines, 2015. Collection method: clinical testing. Allele origin: germline. Inheritance: Autosomal recessive inheritance. Affected: yes. Observed: 2 variant alleles.
Comment: PVS1, PM2,PM3_Supporting